The following is an entry in ClinVar:

NM_004863.4(SPTLC2):c.31C>T (p.Arg11Cys)

Gene: SPTLC2 (serine palmitoyltransferase long chain base subunit 2; minus strand). Cytogenetic location: 14q24.3.
Variant type: single nucleotide variant.
Coding change: c.31C>T on transcript NM_004863.4 (MANE Select); coding-DNA position 31, C replaced by T.
Protein change: p.Arg11Cys; replaces arginine 11 with cysteine.
Molecular consequence: missense variant.
Genome position (GRCh38, 1-based): chr14:77,616,549, G>A on the plus strand (C>T on the coding strand, the complement: SPTLC2 is on the minus strand). VCF-style: chr14-77616549-G-A. GRCh37 (hg19) VCF-style: chr14-78082892-G-A.
Other names: short protein forms R11C.
Identifiers: ClinVar variation 3614748 (VCV003614748.2).

ClinVar aggregate classification (germline): Uncertain significance (1 of 4 stars; one submission).

Conditions:
Neuropathy, hereditary sensory and autonomic, type 1C. Also called: HSAN IC; HSN IC. Identifiers: Orphanet 36386, MedGen C3150896, MONDO:0013337, OMIM 613640.

gnomAD v4.1: 6 of 1,536,432 alleles (0.00039%); highest among the groups gnomAD compares: Non-Finnish European, 0.00044%; no homozygotes.

Submission:

Labcorp Genetics (formerly Invitae), Labcorp
Classification: Uncertain significance for Neuropathy, hereditary sensory and autonomic, type 1C. Last evaluated: 2024-05-15. Review status: criteria provided, single submitter. Criteria: Invitae Variant Classification Sherloc (09022015). Collection method: clinical testing. Allele origin: germline.
Comment: This sequence change replaces arginine, which is basic and polar, with cysteine, which is neutral and slightly polar, at codon 11 of the SPTLC2 protein (p.Arg11Cys). This variant is not present in population databases (gnomAD no frequency). This variant has not been reported in the literature in individuals affected with SPTLC2-related conditions. An algorithm developed to predict the effect of missense changes on protein structure and function (PolyPhen-2) suggests that this variant is likely to be tolerated. In summary, the available evidence is currently insufficient to determine the role of this variant in disease. Therefore, it has been classified as a Variant of Uncertain Significance.